The following is an entry in ClinVar:

NM_000289.6(PFKM):c.1500+1G>A

Gene: PFKM (phosphofructokinase, muscle; plus strand). Cytogenetic location: 12q13.11.
Variant type: single nucleotide variant.
Coding change: c.1500+1G>A on transcript NM_000289.6 (MANE Select); the canonical splice donor site of the intron after coding-DNA position 1500, G replaced by A.
Molecular consequence: splice donor variant.
Genome position (GRCh38, 1-based): chr12:48,141,828, G>A. VCF-style: chr12-48141828-G-A. GRCh37 (hg19) VCF-style: chr12-48535611-G-A.
Other names: c.1524+1G>A (NM_001354741.2); c.1500+1G>A (NM_001354742.2, NM_001354743.2, NM_001354744.2 and 2 more transcripts); c.1350+1G>A (NM_001354747.2, NM_001354748.2); c.1713+1G>A (NM_001166686.2, NM_001354737.1, NM_001354739.1 and 1 more transcripts); c.1809+1G>A (NM_001354736.1, NM_001354735.1); c.1644+1G>A (NM_001354740.1); c.1413+1G>A (NM_001354745.2); c.1374+1G>A (NM_001354746.2); and 1 more.
Identifiers: ClinVar variation 944644 (VCV000944644.17), dbSNP rs770066278, ClinGen allele CA6537367.

ClinVar aggregate classification (germline): Likely pathogenic. Review status: criteria provided, multiple submitters, no conflicts (2 of 4 stars). 3 submissions from 3 submitters: Likely pathogenic (3). Last evaluated 2026-01-29.

Conditions:
Glycogen storage disease, type VII (GSD7). Also called: MUSCLE PHOSPHOFRUCTOKINASE DEFICIENCY; PFKM DEFICIENCY; TARUI DISEASE; GSD VII. Identifiers: Orphanet 371, MedGen C0017926, MONDO:0009295, OMIM 232800.

Allele frequency attached by ClinVar (database versions not stated): gnomAD 0.00001; TOPMed 0.00001; ExAC 0.00002; gnomAD exomes 0.00003.
gnomAD v4.1: 62 of 1,613,462 alleles (0.0038%); highest among the groups gnomAD compares: Non-Finnish European, 0.0051%; no homozygotes.

Submissions (3):

Labcorp Genetics (formerly Invitae), Labcorp
Classification: Likely pathogenic for Glycogen storage disease, type VII. Last evaluated: 2026-01-29. Review status: criteria provided, single submitter. Criteria: Invitae Variant Classification Sherloc (09022015). Collection method: clinical testing. Allele origin: germline.
Comment: This sequence change affects a donor splice site in intron 16 of the PFKM gene. It is expected to disrupt RNA splicing. Variants that disrupt the donor or acceptor splice site typically lead to a loss of protein function (PMID: 16199547), and loss-of-function variants in PFKM are known to be pathogenic (PMID: 7825568, 8037209). This variant is present in population databases (rs770066278, gnomAD 0.006%). This variant has not been reported in the literature in individuals affected with PFKM-related conditions. ClinVar contains an entry for this variant (Variation ID: 944644). Algorithms developed to predict the effect of sequence changes on RNA splicing suggest that this variant may disrupt the consensus splice site. In summary, the currently available evidence indicates that the variant is pathogenic, but additional data are needed to prove that conclusively. Therefore, this variant has been classified as Likely Pathogenic.

Natera, Inc.
Classification: Likely pathogenic for Glycogen storage disease type VII. Last evaluated: 2025-02-03. Review status: criteria provided, single submitter. Criteria: Natera Variant Classification Schema (03/2026). Collection method: clinical testing. Allele origin: germline.
Comment: The c.1500+1G>A variant in PFKM is a canonical splice donor site variant predicted to affect pre-mRNA splicing, which may result in an abnormal transcript and altered protein product. This variant is expected to result in nonsense mediated decay, truncation, or a dysfunctional protein product. This variant is rare in the general population with a frequency below the threshold expected for the associated phenotype(s). Given the available evidence, this variant is classified as Likely Pathogenic.

Revvity Omics, Revvity
Classification: Likely pathogenic for Glycogen storage disease, type VII. Last evaluated: 2021-12-03. Review status: criteria provided, single submitter. Criteria: ACMG Guidelines, 2015. Collection method: clinical testing. Allele origin: germline.

Literature cited by the submitters: PubMed 16199547 (cited by Labcorp Genetics (formerly Invitae), Labcorp); PubMed 7825568 (cited by Labcorp Genetics (formerly Invitae), Labcorp); PubMed 8037209 (cited by Labcorp Genetics (formerly Invitae), Labcorp).